The following is an entry in ClinVar:

NM_000181.4(GUSB):c.583T>C (p.Tyr195His)

Gene: GUSB (glucuronidase beta; minus strand). Cytogenetic location: 7q11.21.
Variant type: single nucleotide variant.
Coding change: c.583T>C on transcript NM_000181.4 (MANE Select); coding-DNA position 583, T replaced by C.
Protein change: p.Tyr195His; replaces tyrosine 195 with histidine.
Molecular consequence: missense variant. On other transcripts: non-coding transcript variant (1), intron variant (2).
Genome position (GRCh38, 1-based): chr7:65,979,540, A>G on the plus strand (T>C on the coding strand, the complement: GUSB is on the minus strand). VCF-style: chr7-65979540-A-G. GRCh37 (hg19) VCF-style: chr7-65444527-A-G.
Other names: p.Tyr195His; c.13T>C, p.Tyr5His (NM_001293104.2); c.67+684T>C (NM_001293105.2); c.474+294T>C (NM_001284290.2); short protein forms Y195H, Y5H.
Identifiers: ClinVar variation 2381903 (VCV002381903.4), dbSNP rs372083359, ClinGen allele CA4276580.

ClinVar aggregate classification (germline): Uncertain significance. Review status: criteria provided, multiple submitters, no conflicts (2 of 4 stars). 2 submissions from 2 submitters: Uncertain significance (2). Last evaluated 2025-02-03.

Conditions:
Inborn genetic diseases. Identifiers: MedGen C0950123, MeSH D030342.

Allele frequency attached by ClinVar (database versions not stated): gnomAD exomes 0.00001; ESP Exome Variant Server 0.00015; ExAC 0.00001; TOPMed 0.00002; gnomAD 0.00003.
gnomAD v4.1: 17 of 1,614,004 alleles (0.0011%); highest among the groups gnomAD compares: African/African-American, 0.0027%; no homozygotes.

Submissions (2):

Mayo Clinic Laboratories, Mayo Clinic
Classification: Uncertain significance. Last evaluated: 2025-02-03. Review status: criteria provided, single submitter. Criteria: ACMG Guidelines, 2015. Collection method: clinical testing. Allele origin: germline. Observed: 1 variant allele.
Comment: PP3_moderate

Ambry Genetics
Classification: Uncertain significance for Inborn genetic diseases. Last evaluated: 2024-07-30. Review status: criteria provided, single submitter. Criteria: Ambry Variant Classification Scheme 2023. Collection method: clinical testing. Allele origin: germline.